The following is an entry in ClinVar:

ClinVar aggregate classification (germline): Likely benign. Review status: criteria provided, single submitter (1 of 4 stars). 2 submissions from 2 submitters: Likely benign (1). 1 of the submissions does not count toward it. Last evaluated 2026-02-01.

Conditions:
AMHR2-related disorder. Also called: AMHR2-related condition.

Allele frequency attached by ClinVar (database versions not stated): ExAC 0.00017; gnomAD exomes 0.00019; TOPMed 0.00024; gnomAD 0.00029.
gnomAD v4.1: 251 of 1,614,166 alleles (0.016%); highest among the groups gnomAD compares: East Asian, 0.067%; no homozygotes.

Submissions (2):

Labcorp Genetics (formerly Invitae), Labcorp
Classification: Likely benign. Last evaluated: 2026-02-01. Review status: criteria provided, single submitter. Criteria: Invitae Variant Classification Sherloc (09022015). Collection method: clinical testing. Allele origin: germline.

PreventionGenetics, part of Exact Sciences
Classification: Likely benign for AMHR2-related condition. Last evaluated: 2019-04-26. Review status: no assertion criteria provided. Collection method: clinical testing. Allele origin: germline. Not counted in ClinVar's aggregate classification.
Comment: This variant is classified as likely benign based on ACMG/AMP sequence variant interpretation guidelines (Richards et al. 2015 PMID: 25741868, with internal and published modifications).

NM_020547.3(AMHR2):c.762C>T (p.His254=)

Gene: AMHR2 (anti-Mullerian hormone receptor type 2; plus strand). Cytogenetic location: 12q13.13.
Variant type: single nucleotide variant.
Coding change: c.762C>T on transcript NM_020547.3 (MANE Select); coding-DNA position 762, C replaced by T.
Protein change: p.His254=; no amino-acid change (histidine 254 retained).
Molecular consequence: synonymous variant.
Genome position (GRCh38, 1-based): chr12:53,425,829, C>T. VCF-style: chr12-53425829-C-T. GRCh37 (hg19) VCF-style: chr12-53819613-C-T.
Other names: c.762C>T, p.His254= (NM_001164690.2, NM_001164691.2).
Identifiers: ClinVar variation 734341 (VCV000734341.9), dbSNP rs115267458, ClinGen allele CA6600437.